The following is an entry in ClinVar:

ClinVar aggregate classification (germline): Uncertain significance (1 of 4 stars; one submission).

Conditions:
Idiopathic generalized epilepsy. Also called: EIG; Generalised epilepsy. Identifiers: MedGen C0270850, MONDO:0005579, OMIM 600669.

Allele frequency attached by ClinVar (database versions not stated): TOPMed below 0.00001; gnomAD 0.00001.
gnomAD v4.1: 4 of 1,462,706 alleles (0.00027%); highest among the groups gnomAD compares: Non-Finnish European, 0.00036%; no homozygotes.

Submission:

Labcorp Genetics (formerly Invitae), Labcorp
Classification: Uncertain significance for Idiopathic generalized epilepsy. Last evaluated: 2022-02-04. Review status: criteria provided, single submitter. Criteria: Invitae Variant Classification Sherloc (09022015). Collection method: clinical testing. Allele origin: germline.
Comment: In summary, the available evidence is currently insufficient to determine the role of this variant in disease. Therefore, it has been classified as a Variant of Uncertain Significance. Algorithms developed to predict the effect of missense changes on protein structure and function are either unavailable or do not agree on the potential impact of this missense change (SIFT: "Tolerated"; PolyPhen-2: "Probably Damaging"; Align-GVGD: "Class C25"). ClinVar contains an entry for this variant (Variation ID: 1016285). This variant has not been reported in the literature in individuals affected with RBFOX3-related conditions. This variant is not present in population databases (gnomAD no frequency). This sequence change replaces proline, which is neutral and non-polar, with leucine, which is neutral and non-polar, at codon 296 of the RBFOX3 protein (p.Pro296Leu).

NM_001350451.2(RBFOX3):c.1028C>T (p.Pro343Leu)

Gene: RBFOX3 (RNA binding fox-1 homolog 3; minus strand). Cytogenetic location: 17q25.3.
Variant type: single nucleotide variant.
Coding change: c.1028C>T on transcript NM_001350451.2 (MANE Select); coding-DNA position 1028, C replaced by T.
Protein change: p.Pro343Leu; replaces proline 343 with leucine.
Molecular consequence: missense variant.
Genome position (GRCh38, 1-based): chr17:79,094,500, G>A on the plus strand (C>T on the coding strand, the complement: RBFOX3 is on the minus strand). VCF-style: chr17-79094500-G-A. GRCh37 (hg19) VCF-style: chr17-77090582-G-A.
Other names: c.887C>T, p.Pro296Leu (NM_001082575.3, NM_001350453.2, NM_001385825.1 and 16 more transcripts); c.1028C>T, p.Pro343Leu (NM_001385804.1, NM_001385805.1, NM_001385807.1 and 14 more transcripts); c.1025C>T, p.Pro342Leu (NM_001385806.1, NM_001385822.1, NM_001385823.1); c.935C>T, p.Pro312Leu (NM_001385824.1); c.908C>T, p.Pro303Leu (NM_001385827.1); c.884C>T, p.Pro295Leu (NM_001385843.1, NM_001385844.1, NM_001385845.1 and 1 more transcripts); c.740C>T, p.Pro247Leu (NM_001385847.1); short protein forms P247L, P295L, P296L, P303L, P312L, P342L, P343L.
Identifiers: ClinVar variation 1016285 (VCV001016285.8), dbSNP rs1208480613, ClinGen allele CA401315717.